The following is an entry in ClinVar:

NM_053025.4(MYLK):c.5489G>C (p.Cys1830Ser)

Genes: MYLK-AS1 (MYLK antisense RNA 1; plus strand), MYLK (myosin light chain kinase; minus strand). Cytogenetic location: 3q21.1.
Variant type: single nucleotide variant.
Coding change: c.5489G>C on transcript NM_053025.4 (MANE Select); coding-DNA position 5489, G replaced by C.
Protein change: p.Cys1830Ser; replaces cysteine 1830 with serine.
Molecular consequence: missense variant.
Genome position (GRCh38, 1-based): chr3:123,618,650, C>G on the plus strand (G>C on the coding strand, the complement: MYLK is on the minus strand). VCF-style: chr3-123618650-C-G. GRCh37 (hg19) VCF-style: chr3-123337497-C-G.
Other names: c.4961G>C, p.Cys1654Ser (NM_001321309.2); c.5282G>C, p.Cys1761Ser (NM_053026.4); c.5336G>C, p.Cys1779Ser (NM_053027.4); c.5129G>C, p.Cys1710Ser (NM_053028.4); c.206G>C, p.Cys69Ser (NM_053031.4); c.209G>C, p.Cys70Ser (NM_053032.4); short protein forms C1830S, C1654S, C1710S, C69S, C70S, C1761S, C1779S.
Identifiers: ClinVar variation 471738 (VCV000471738.11), dbSNP rs1302244958, ClinGen allele CA354230825.

ClinVar aggregate classification (germline): Uncertain significance. Review status: criteria provided, multiple submitters, no conflicts (2 of 4 stars). 4 submissions from 4 submitters: Uncertain significance (4). Last evaluated 2026-06-15.

Conditions:
MYLK-related disorder. Also called: MYLK-related condition.
Aortic aneurysm, familial thoracic 7 (AAT7). Also called: AORTIC DISSECTION, FAMILIAL, WITH OR WITHOUT AORTIC ANEURYSM. Identifiers: MedGen C3151077, MONDO:0013418, OMIM 613780.
Familial thoracic aortic aneurysm and aortic dissection (TAAD). Also called: Thoracic aortic aneurysms and dissections. Identifiers: Orphanet 91387, MedGen C4707243, MONDO:0019625.

Allele frequency attached by ClinVar (database versions not stated): gnomAD exomes 0.00001; gnomAD 0.00002.
gnomAD v4.1: 13 of 1,613,936 alleles (0.00081%); highest among the groups gnomAD compares: Non-Finnish European, 0.001%; no homozygotes.

Submissions (4):

PreventionGenetics, part of Exact Sciences
Classification: Uncertain significance for MYLK-related condition. Last evaluated: 2026-06-15. Review status: criteria provided, single submitter. Criteria: ACMG Guidelines, 2015. Collection method: clinical testing. Allele origin: germline.
Comment: The MYLK c.5489G>C variant is predicted to result in the amino acid substitution p.Cys1830Ser. To our knowledge, this variant has not been reported in the literature. This variant is reported in 0.0040% of alleles in individuals of European (Finnish) descent in gnomAD. At this time, the clinical significance of this variant is uncertain due to the absence of conclusive functional and genetic evidence.

Ambry Genetics
Classification: Uncertain significance for Familial thoracic aortic aneurysm and aortic dissection. Last evaluated: 2025-09-04. Review status: criteria provided, single submitter. Criteria: Ambry Variant Classification Scheme 2023. Collection method: clinical testing. Allele origin: germline.
Comment: The p.C1830S variant (also known as c.5489G>C), located in coding exon 30 of the MYLK gene, results from a G to C substitution at nucleotide position 5489. The cysteine at codon 1830 is replaced by serine, an amino acid with dissimilar properties. This amino acid position is conserved. In addition, this alteration is predicted to be deleterious by in silico analysis. Based on the available evidence, the clinical significance of this variant remains unclear.

GeneDx
Classification: Uncertain significance. Last evaluated: 2025-06-23. Review status: criteria provided, single submitter. Criteria: GeneDx Variant Classification Process June 2021. Collection method: clinical testing. Allele origin: germline. Affected: yes.
Comment: In silico analysis supports that this missense variant has a deleterious effect on protein structure/function; Has not been previously published as pathogenic or benign to our knowledge

Labcorp Genetics (formerly Invitae), Labcorp
Classification: Uncertain significance for Aortic aneurysm, familial thoracic 7. Last evaluated: 2025-04-18. Review status: criteria provided, single submitter. Criteria: Invitae Variant Classification Sherloc (09022015). Collection method: clinical testing. Allele origin: germline.
Comment: This sequence change replaces cysteine, which is neutral and slightly polar, with serine, which is neutral and polar, at codon 1830 of the MYLK protein (p.Cys1830Ser). This variant is present in population databases (no rsID available, gnomAD 0.004%). This variant has not been reported in the literature in individuals affected with MYLK-related conditions. ClinVar contains an entry for this variant (Variation ID: 471738). Invitae Evidence Modeling of protein sequence and biophysical properties (such as structural, functional, and spatial information, amino acid conservation, physicochemical variation, residue mobility, and thermodynamic stability) indicates that this missense variant is not expected to disrupt MYLK protein function with a negative predictive value of 80%. In summary, the available evidence is currently insufficient to determine the role of this variant in disease. Therefore, it has been classified as a Variant of Uncertain Significance.